The following is an entry in ClinVar:

ClinVar aggregate classification (germline): Uncertain significance (1 of 4 stars; one submission).

Allele frequency attached by ClinVar (database versions not stated): gnomAD 0.00001; TOPMed 0.00001.
gnomAD v4.1: 6 of 1,613,792 alleles (0.00037%); highest among the groups gnomAD compares: South Asian, 0.0011%; no homozygotes.

Submission:

Labcorp Genetics (formerly Invitae), Labcorp
Classification: Uncertain significance. Last evaluated: 2023-05-20. Review status: criteria provided, single submitter. Criteria: Invitae Variant Classification Sherloc (09022015). Collection method: clinical testing. Allele origin: germline.
Comment: In summary, the available evidence is currently insufficient to determine the role of this variant in disease. Therefore, it has been classified as a Variant of Uncertain Significance. An algorithm developed to predict the effect of missense changes on protein structure and function (PolyPhen-2) suggests that this variant is likely to be disruptive. This variant has not been reported in the literature in individuals affected with SPTB-related conditions. This variant is present in population databases (rs781493805, gnomAD 0.003%). This sequence change replaces arginine, which is basic and polar, with cysteine, which is neutral and slightly polar, at codon 1801 of the SPTB protein (p.Arg1801Cys).

NM_001355436.2(SPTB):c.5401C>T (p.Arg1801Cys)

Gene: SPTB (spectrin beta, erythrocytic; minus strand). Cytogenetic location: 14q23.3.
Variant type: single nucleotide variant.
Coding change: c.5401C>T on transcript NM_001355436.2 (MANE Select); coding-DNA position 5401, C replaced by T.
Protein change: p.Arg1801Cys; replaces arginine 1801 with cysteine.
Molecular consequence: missense variant.
Genome position (GRCh38, 1-based): chr14:64,772,732, G>A on the plus strand (C>T on the coding strand, the complement: SPTB is on the minus strand). VCF-style: chr14-64772732-G-A. GRCh37 (hg19) VCF-style: chr14-65239450-G-A.
Other names: c.5401C>T, p.Arg1801Cys (NM_001024858.4, NM_001355437.2); short protein forms R1801C.
Identifiers: ClinVar variation 2968938 (VCV002968938.3), dbSNP rs781493805, ClinGen allele CA7229982.